The following is an entry in ClinVar:

ClinVar aggregate classification (germline): Uncertain significance (1 of 4 stars; one submission).

gnomAD v4.1: 1 of 1,612,838 alleles (0.000062%); highest among the groups gnomAD compares: African/African-American, 0.0013%; no homozygotes.

Submission:

GeneDx
Classification: Uncertain significance. Last evaluated: 2023-07-02. Review status: criteria provided, single submitter. Criteria: GeneDx Variant Classification Process June 2021. Collection method: clinical testing. Allele origin: germline. Affected: yes.
Comment: Not observed at significant frequency in large population cohorts (gnomAD); In silico analysis supports that this missense variant does not alter protein structure/function; Has not been previously published as pathogenic or benign to our knowledge

NM_001020658.2(PUM1):c.1651C>T (p.Pro551Ser)

Gene: PUM1 (pumilio RNA binding family member 1; minus strand). Cytogenetic location: 1p35.2.
Variant type: single nucleotide variant.
Coding change: c.1651C>T on transcript NM_001020658.2 (MANE Select); coding-DNA position 1651, C replaced by T.
Protein change: p.Pro551Ser; replaces proline 551 with serine.
Molecular consequence: missense variant.
Genome position (GRCh38, 1-based): chr1:30,967,305, G>A on the plus strand (C>T on the coding strand, the complement: PUM1 is on the minus strand). VCF-style: chr1-30967305-G-A. GRCh37 (hg19) VCF-style: chr1-31440152-G-A.
Other names: c.1651C>T, p.Pro551Ser (NM_014676.3); short protein forms P551S.
Identifiers: ClinVar variation 3360762 (VCV003360762.1).